The following is an entry in ClinVar:

ClinVar aggregate classification (germline): Uncertain significance. Review status: criteria provided, multiple submitters, no conflicts (2 of 4 stars). 2 submissions from 2 submitters: Uncertain significance (2). Last evaluated 2025-09-05.

Allele frequency attached by ClinVar (database versions not stated): TOPMed 0.00002.
gnomAD v4.1: 20 of 1,551,248 alleles (0.0013%); highest among the groups gnomAD compares: Non-Finnish European, 0.0016%; no homozygotes.

Submissions (2):

Ambry Genetics
Classification: Uncertain significance. Last evaluated: 2025-09-05. Review status: criteria provided, single submitter. Criteria: Ambry Variant Classification Scheme 2023. Collection method: clinical testing. Allele origin: germline.

Labcorp Genetics (formerly Invitae), Labcorp
Classification: Uncertain significance. Last evaluated: 2022-05-17. Review status: criteria provided, single submitter. Criteria: Invitae Variant Classification Sherloc (09022015). Collection method: clinical testing. Allele origin: germline.
Comment: Algorithms developed to predict the effect of sequence changes on RNA splicing suggest that this variant may create or strengthen a splice site. This sequence change replaces glycine, which is neutral and non-polar, with aspartic acid, which is acidic and polar, at codon 128 of the FBN3 protein (p.Gly128Asp). Algorithms developed to predict the effect of missense changes on protein structure and function are either unavailable or do not agree on the potential impact of this missense change (SIFT: "Not Available"; PolyPhen-2: "Probably Damaging"; Align-GVGD: "Not Available"). In summary, the available evidence is currently insufficient to determine the role of this variant in disease. Therefore, it has been classified as a Variant of Uncertain Significance. This variant has not been reported in the literature in individuals affected with FBN3-related conditions. The frequency data for this variant in the population databases is considered unreliable, as metrics indicate poor data quality at this position in the gnomAD database.

NM_032447.5(FBN3):c.383G>A (p.Gly128Asp)

Gene: FBN3 (fibrillin 3; minus strand). Cytogenetic location: 19p13.2.
Variant type: single nucleotide variant.
Coding change: c.383G>A on transcript NM_032447.5 (MANE Select); coding-DNA position 383, G replaced by A.
Protein change: p.Gly128Asp; replaces glycine 128 with aspartic acid.
Molecular consequence: missense variant.
Genome position (GRCh38, 1-based): chr19:8,145,905, C>T on the plus strand (G>A on the coding strand, the complement: FBN3 is on the minus strand). VCF-style: chr19-8145905-C-T. GRCh37 (hg19) VCF-style: chr19-8210789-C-T.
Other names: c.383G>A, p.Gly128Asp (NM_001321431.2); c.383G>A (NM_032447.3); short protein forms G128D.
Identifiers: ClinVar variation 2059691 (VCV002059691.5), dbSNP rs1271237087, ClinGen allele CA403724507.
Genomic context (GRCh38, chr19:8,145,905, plus strand): 5'-TGCCCACACACGGTGCCTGTGTAGCCCTTCTGACACAGACAGGACGCCCCCCGGCAGGTG[C>T]CCCCATTCATACAGCTCACACTGCACCCTGACCCTGGGGACAGGAAGGCAGGACGCATAG-3'
Protein context (NP_115823.3, residues 118-138): SGCSVSCMNG[Gly128Asp]TCRGASCLCQ